The following is an entry in ClinVar:

NM_020461.4(TUBGCP6):c.4426G>A (p.Glu1476Lys)

Gene: TUBGCP6 (tubulin gamma complex component 6; minus strand). Cytogenetic location: 22q13.33.
Variant type: single nucleotide variant.
Coding change: c.4426G>A on transcript NM_020461.4 (MANE Select); coding-DNA position 4426, G replaced by A.
Protein change: p.Glu1476Lys; replaces glutamic acid 1476 with lysine.
Molecular consequence: missense variant.
Genome position (GRCh38, 1-based): chr22:50,219,346, C>T on the plus strand (G>A on the coding strand, the complement: TUBGCP6 is on the minus strand). VCF-style: chr22-50219346-C-T. GRCh37 (hg19) VCF-style: chr22-50657775-C-T.
Other names: short protein forms E1476K.
Identifiers: ClinVar variation 840898 (VCV000840898.8), dbSNP rs768551166, ClinGen allele CA10307515.

ClinVar aggregate classification (germline): Uncertain significance. Review status: criteria provided, multiple submitters, no conflicts (2 of 4 stars). 2 submissions from 2 submitters: Uncertain significance (2). Last evaluated 2025-08-20.

Conditions:
Inborn genetic diseases. Identifiers: MedGen C0950123, MeSH D030342.

Allele frequency attached by ClinVar (database versions not stated): ExAC 0.00002; gnomAD 0.00002; gnomAD exomes 0.00002 and 0.00003; TOPMed 0.00002.
gnomAD v4.1: 30 of 1,594,394 alleles (0.0019%); highest among the groups gnomAD compares: Admixed American, 0.009%; no homozygotes.

Submissions (2):

Ambry Genetics
Classification: Uncertain significance for Inborn genetic diseases. Last evaluated: 2025-08-20. Review status: criteria provided, single submitter. Criteria: Ambry Variant Classification Scheme 2023. Collection method: clinical testing. Allele origin: germline.

Labcorp Genetics (formerly Invitae), Labcorp
Classification: Uncertain significance. Last evaluated: 2023-08-30. Review status: criteria provided, single submitter. Criteria: Invitae Variant Classification Sherloc (09022015). Collection method: clinical testing. Allele origin: germline.
Comment: An algorithm developed to predict the effect of missense changes on protein structure and function (PolyPhen-2) suggests that this variant is likely to be disruptive. In summary, the available evidence is currently insufficient to determine the role of this variant in disease. Therefore, it has been classified as a Variant of Uncertain Significance. ClinVar contains an entry for this variant (Variation ID: 840898). This variant has not been reported in the literature in individuals affected with TUBGCP6-related conditions. This variant is present in population databases (rs768551166, gnomAD 0.02%). This sequence change replaces glutamic acid, which is acidic and polar, with lysine, which is basic and polar, at codon 1476 of the TUBGCP6 protein (p.Glu1476Lys).